The following is an entry in ClinVar:

NM_201384.3(PLEC):c.10792G>A (p.Glu3598Lys)

Gene: PLEC (plectin; minus strand). Cytogenetic location: 8q24.3.
Variant type: single nucleotide variant.
Coding change: c.10792G>A on transcript NM_201384.3 (MANE Select); coding-DNA position 10792, G replaced by A.
Protein change: p.Glu3598Lys; replaces glutamic acid 3598 with lysine.
Molecular consequence: missense variant.
Genome position (GRCh38, 1-based): chr8:143,919,029, C>T on the plus strand (G>A on the coding strand, the complement: PLEC is on the minus strand). VCF-style: chr8-143919029-C-T. GRCh37 (hg19) VCF-style: chr8-144993197-C-T.
Other names: c.10873G>A, p.Glu3625Lys (NM_000445.5); c.10750G>A, p.Glu3584Lys (NM_201378.4); c.10726G>A, p.Glu3576Lys (NM_201379.3); c.11203G>A, p.Glu3735Lys (NM_201380.4); c.10696G>A, p.Glu3566Lys (NM_201381.3); c.10792G>A, p.Glu3598Lys (NM_201382.4); c.10804G>A, p.Glu3602Lys (NM_201383.3); short protein forms E3566K, E3598K, E3576K, E3625K, E3735K, E3602K, E3584K.
Identifiers: ClinVar variation 1418781 (VCV001418781.8), dbSNP rs782367633, ClinGen allele CA4924532.

ClinVar aggregate classification (germline): Uncertain significance (1 of 4 stars; one submission).

Conditions:
Epidermolysis bullosa simplex 5B, with muscular dystrophy (EBS5B). Also called: EPIDERMOLYSIS BULLOSA SIMPLEX AND LIMB-GIRDLE MUSCULAR DYSTROPHY; Epidermolysis bullosa simplex with muscular dystrophy. Identifiers: Orphanet 257, MedGen C2931072, MONDO:0009181, OMIM 226670.
Epidermolysis bullosa simplex, Ogna type (EBS5A). Also called: EPIDERMOLYSIS BULLOSA SIMPLEX 5A, OGNA TYPE; Pidermolysis bullosa simplex 5A, Ogna type. Identifiers: Orphanet 79401, MedGen C0432317, MONDO:0007555, OMIM 131950.
Epidermolysis bullosa simplex with nail dystrophy (EBS5D). Identifiers: MedGen C4225309, MONDO:0014661, OMIM 616487.
Autosomal recessive limb-girdle muscular dystrophy type 2Q (LGMDR17). Also called: MUSCULAR DYSTROPHY, LIMB-GIRDLE, AUTOSOMAL RECESSIVE 17. Identifiers: Orphanet 254361, MedGen C3150989, MONDO:0013390, OMIM 613723.
Epidermolysis bullosa simplex 5C, with pyloric atresia (EBS5C). Also called: Epidermolysis bullosa simplex with pyloric atresia; PLEC-Related Epidermolysis Bullosa with Pyloric Atresia; PLEC1-Related Epidermolysis Bullosa with Pyloric Atresia. Identifiers: Orphanet 158684, MedGen C2677349, MONDO:0012807, OMIM 612138.

Allele frequency attached by ClinVar (database versions not stated): TOPMed below 0.00001; gnomAD exomes 0.00002 and 0.00004; ExAC 0.00003.
gnomAD v4.1: 25 of 1,611,236 alleles (0.0016%); highest among the groups gnomAD compares: Admixed American, 0.015%; no homozygotes.

Submission:

Labcorp Genetics (formerly Invitae), Labcorp
Classification: Uncertain significance for Autosomal recessive limb-girdle muscular dystrophy type 2Q; Epidermolysis bullosa simplex, Ogna type; Epidermolysis bullosa simplex with nail dystrophy; Epidermolysis bullosa simplex 5C, with pyloric atresia; Epidermolysis bullosa simplex 5B, with muscular dystrophy. Last evaluated: 2025-12-16. Review status: criteria provided, single submitter. Criteria: Invitae Variant Classification Sherloc (09022015). Collection method: clinical testing. Allele origin: germline.
Comment: This sequence change replaces glutamic acid, which is acidic and polar, with lysine, which is basic and polar, at codon 3625 of the PLEC protein (p.Glu3625Lys). This variant is present in population databases (rs782367633, gnomAD 0.02%). This variant has not been reported in the literature in individuals affected with PLEC-related conditions. ClinVar contains an entry for this variant (Variation ID: 1418781). An algorithm developed to predict the effect of missense changes on protein structure and function outputs the following: PolyPhen-2: "Benign". The lysine amino acid residue is found in multiple mammalian species, which suggests that this missense change does not adversely affect protein function. In summary, the available evidence is currently insufficient to determine the role of this variant in disease. Therefore, it has been classified as a Variant of Uncertain Significance.